The following is an entry in ClinVar:

NM_014000.3(VCL):c.511A>G (p.Met171Val)

Gene: VCL (vinculin; plus strand). Cytogenetic location: 10q22.2.
Variant type: single nucleotide variant.
Coding change: c.511A>G on transcript NM_014000.3 (MANE Select); coding-DNA position 511, A replaced by G.
Protein change: p.Met171Val; replaces methionine 171 with valine.
Molecular consequence: missense variant.
Genome position (GRCh38, 1-based): chr10:74,072,741, A>G. VCF-style: chr10-74072741-A-G. GRCh37 (hg19) VCF-style: chr10-75832499-A-G.
Other names: c.511A>G, p.Met171Val (NM_003373.4); short protein forms M171V.
Identifiers: ClinVar variation 575007 (VCV000575007.9), dbSNP rs758498714, ClinGen allele CA5562794.

ClinVar aggregate classification (germline): Uncertain significance. Review status: criteria provided, multiple submitters, no conflicts (2 of 4 stars). 3 submissions from 3 submitters: Uncertain significance (3). Last evaluated 2026-03-26.

Conditions:
VCL-related disorder. Also called: VCL-related condition.
Dilated cardiomyopathy 1W (CMD1W). Identifiers: Orphanet 154, MedGen C1969639, MONDO:0012667, OMIM 611407.
Cardiovascular phenotype. Identifiers: MedGen CN230736.

Allele frequency attached by ClinVar (database versions not stated): gnomAD exomes below 0.00001; ExAC 0.00002.

Submissions (3):

PreventionGenetics, part of Exact Sciences
Classification: Uncertain significance for VCL-related condition. Last evaluated: 2026-03-26. Review status: criteria provided, single submitter. Criteria: ACMG Guidelines, 2015. Collection method: clinical testing. Allele origin: germline.
Comment: The VCL c.511A>G variant is predicted to result in the amino acid substitution p.Met171Val. To our knowledge, this variant has not been reported in the literature. This variant is reported in 0.0029% of alleles in individuals of Latino descent in gnomAD. At this time, the clinical significance of this variant is uncertain due to the absence of conclusive functional and genetic evidence.

Ambry Genetics
Classification: Uncertain significance for Cardiovascular phenotype. Last evaluated: 2025-10-12. Review status: criteria provided, single submitter. Criteria: Ambry Variant Classification Scheme 2023. Collection method: clinical testing. Allele origin: germline.
Comment: The p.M171V variant (also known as c.511A>G), located in coding exon 5 of the VCL gene, results from an A to G substitution at nucleotide position 511. The methionine at codon 171 is replaced by valine, an amino acid with highly similar properties. This amino acid position is conserved. In addition, the in silico prediction for this alteration is inconclusive. Based on the available evidence, the clinical significance of this variant remains unclear.

Labcorp Genetics (formerly Invitae), Labcorp
Classification: Uncertain significance for Dilated cardiomyopathy 1W. Last evaluated: 2022-06-27. Review status: criteria provided, single submitter. Criteria: Invitae Variant Classification Sherloc (09022015). Collection method: clinical testing. Allele origin: germline.
Comment: In summary, the available evidence is currently insufficient to determine the role of this variant in disease. Therefore, it has been classified as a Variant of Uncertain Significance. Algorithms developed to predict the effect of sequence changes on RNA splicing suggest that this variant may create or strengthen a splice site. Algorithms developed to predict the effect of missense changes on protein structure and function are either unavailable or do not agree on the potential impact of this missense change (SIFT: "Not Available"; PolyPhen-2: "Benign"; Align-GVGD: "Not Available"). ClinVar contains an entry for this variant (Variation ID: 575007). This variant has not been reported in the literature in individuals affected with VCL-related conditions. This variant is present in population databases (rs758498714, gnomAD 0.003%). This sequence change replaces methionine, which is neutral and non-polar, with valine, which is neutral and non-polar, at codon 171 of the VCL protein (p.Met171Val).